The following is an entry in ClinVar:

ClinVar aggregate classification (germline): Pathogenic/Likely pathogenic. Review status: criteria provided, multiple submitters, no conflicts (2 of 4 stars). 3 submissions from 3 submitters: Pathogenic (2); Likely pathogenic (1). Last evaluated 2025-12-02.

Conditions:
Hearing loss, autosomal dominant 80. Also called: DEAFNESS, AUTOSOMAL DOMINANT 80. Identifiers: MedGen C5543289, MONDO:0030998, OMIM 619274.
Mayer Rokitansky Kuster Hauser syndrome type 1 (MRKH). Identifiers: Orphanet 247775, MedGen C5566555, MONDO:0010173, OMIM 277000.

Submissions (3):

GeneDx
Classification: Pathogenic. Last evaluated: 2025-12-02. Review status: criteria provided, single submitter. Criteria: GeneDx Variant Classification Process June 2021. Collection method: clinical testing. Allele origin: germline.
Comment: Reported in a patient with uterine agenesis in published literature (PMID: 37124138); Nonsense variant predicted to result in protein truncation or nonsense mediated decay in a gene for which loss of function is a known mechanism of disease; Not observed at significant frequency in large population cohorts (gnomAD); This variant is associated with the following publications: (PMID: 37124138)

Lupski Lab, Baylor-Hopkins CMG, Baylor College of Medicine
Classification: Pathogenic for Mayer Rokitansky Kuster Hauser syndrome type 1. Last evaluated: 2023-03-13. Review status: criteria provided, single submitter. Criteria: ACMG Guidelines, 2015. Collection method: research. Allele origin: paternal. Observed: 1 variant allele.

3billion
Classification: Likely pathogenic for Hearing loss, autosomal dominant 80. Last evaluated: 2022-01-03. Review status: criteria provided, single submitter. Criteria: ACMG Guidelines, 2015. Collection method: clinical testing. Allele origin: germline. Affected: yes. Observed: 1 heterozygote.
Comment: Stop-gained (nonsense): predicted to result in a loss or disruption of normal protein function through nonsense-mediated decay (NMD) or protein truncation. Multiple pathogenic variants are reported downstream of the variant (PVS1_VS). It is not observed in the gnomAD v2.1.1 dataset (PM2_M). Therefore, this variant is classified as likely pathogenic according to the recommendation of ACMG/AMP guideline.

NM_001142966.3(GREB1L):c.4576C>T (p.Arg1526Ter)

Gene: GREB1L (GREB1 like retinoic acid receptor coactivator; plus strand). Cytogenetic location: 18q11.2.
Variant type: single nucleotide variant.
Coding change: c.4576C>T on transcript NM_001142966.3 (MANE Select); coding-DNA position 4576, C replaced by T.
Protein change: p.Arg1526Ter; replaces arginine 1526 with a stop codon.
Molecular consequence: nonsense.
Genome position (GRCh38, 1-based): chr18:21,508,432, C>T. VCF-style: chr18-21508432-C-T. GRCh37 (hg19) VCF-style: chr18-19088393-C-T.
Other names: c.4576C>T (NM_001142966.1); short protein forms R1526*.
Identifiers: ClinVar variation 1333378 (VCV001333378.4), dbSNP rs2146025908, ClinGen allele CA401758337.
Genomic context (GRCh38, chr18:21,508,432, plus strand): 5'-TTTCCCTTTCAGCAGAATTTGAATGCAGTCAAGAGCCCTATTTTCACTCCTTCCAGTGGT[C>T]GACATGAGCACGGACTCCTAAACCTTTTCCACGCCATGGAGGGCATCAGCCACCTTCACC-3'